The following is an entry in ClinVar:

NM_006885.4(ZFHX3):c.5197dup (p.Gln1733fs)

Genes: ZFHX3 (zinc finger homeobox 3; minus strand), ZFHX3-AS1 (ZFHX3 antisense RNA 1; plus strand). Cytogenetic location: 16q22.2.
Variant type: Duplication.
Coding change: c.5197dup on transcript NM_006885.4 (MANE Select); coding-DNA position 5197, one base duplicated (C; older notation c.5197dupC).
Protein change: p.Gln1733fs; shifts the reading frame from glutamine 1733.
Molecular consequence: frameshift variant.
Genome position (GRCh38, 1-based): chr16:72,797,485, G duplicated on the plus strand (C on the coding strand, the reverse complement: ZFHX3 is on the minus strand). VCF-style (leftmost placement, unchanged base first): chr16-72797484-T-TG. GRCh37 (hg19) VCF-style: chr16-72831383-T-TG.
Other names: c.2455dup, p.Gln819fs (NM_001164766.2); c.5197dup, p.Gln1733fs (NM_001386735.1); short protein forms Q1733fs, Q819fs.
Identifiers: ClinVar variation 4884398 (VCV004884398.1).

ClinVar aggregate classification (germline): Likely pathogenic (1 of 4 stars; one submission).

Conditions:
ZFHX3-related syndromic intellectual disability.

Submission:

Division of Genetic & Genomic Pathology, Hong Kong Children's Hospital
Classification: Likely pathogenic for ZFHX3-related syndromic intellectual disability. Last evaluated: 2024-07-19. Review status: criteria provided, single submitter. Criteria: ACMG Guidelines, 2015. Collection method: clinical testing. Allele origin: germline. Affected: yes.
Comment: ZFHX3 c.5197dup p.(Gln1733Profs*41) is a 1-bp duplication variant in exon 9 (out of 10 exons). It causes frameshift and is predicted to result in loss of protein function by nonsense-mediated mRNA decay. ZFHX3 is a gene intolerant to loss of function variants (pLI score of 1 and LOEUF score of 0.19 in gnomAD v4.1.0) and haploinsufficiency is the proposed disease mechanism for ZFHX3-related syndromic intellectual disability (PMID: 38412861). This variant is absent in population control databases (gnomAD v4.1.0) and clinical databases (ClinVar and HGMD Professional 2024.2). For these reasons, the variant is classified as likely pathogenic.

Literature cited by the submitters: PubMed 38412861.